The following is an entry in ClinVar:

ClinVar aggregate classification (germline): Conflicting classifications of pathogenicity. Review status: criteria provided, conflicting classifications (1 of 4 stars). 3 submissions from 3 submitters: Uncertain significance (1); Benign (1); Likely benign (1). Last evaluated 2026-01-12.

Conditions:
Inborn genetic diseases. Identifiers: MedGen C0950123, MeSH D030342.
Dent disease type 1 (DENT1). Also called: NEPHROLITHIASIS 2; NEPHROLITHIASIS, HYPERCALCIURIC, X-LINKED. Identifiers: Orphanet 1652, Orphanet 93622, MedGen C1848336, MONDO:0010225, OMIM 300009.

Allele frequency attached by ClinVar (database versions not stated): gnomAD exomes 0.00002 and 0.00005; TOPMed 0.00003; gnomAD 0.00004; ExAC 0.00005.
gnomAD v4.1: 30 of 1,209,250 alleles (0.0025%); highest among the groups gnomAD compares: Admixed American, 0.0087%; no homozygotes.

Submissions (3):

Labcorp Genetics (formerly Invitae), Labcorp
Classification: Uncertain significance. Last evaluated: 2026-01-12. Review status: criteria provided, single submitter. Criteria: Invitae Variant Classification Sherloc (09022015). Collection method: clinical testing. Allele origin: germline.
Comment: This sequence change replaces valine, which is neutral and non-polar, with methionine, which is neutral and non-polar, at codon 536 of the CLCN5 protein (p.Val536Met). This variant is present in population databases (rs782060809, gnomAD 0.03%). This variant has not been reported in the literature in individuals affected with CLCN5-related conditions. ClinVar contains an entry for this variant (Variation ID: 368485). Invitae Evidence Modeling of protein sequence and biophysical properties (such as structural, functional, and spatial information, amino acid conservation, physicochemical variation, residue mobility, and thermodynamic stability) indicates that this missense variant is not expected to disrupt CLCN5 protein function with a negative predictive value of 80%. In summary, the available evidence is currently insufficient to determine the role of this variant in disease. Therefore, it has been classified as a Variant of Uncertain Significance.

Ambry Genetics
Classification: Likely benign for Inborn genetic diseases. Last evaluated: 2024-07-02. Review status: criteria provided, single submitter. Criteria: Ambry Variant Classification Scheme 2023. Collection method: clinical testing. Allele origin: germline.

Illumina Laboratory Services, Illumina
Classification: Benign for Dent disease type 1. Last evaluated: 2018-01-13. Review status: criteria provided, single submitter. Criteria: ICSL Variant Classification Criteria 13 December 2019. Collection method: clinical testing. Allele origin: germline.
Comment: This variant was observed in the ICSL laboratory as part of a predisposition screen in an ostensibly healthy population. It had not been previously curated by ICSL or reported in the Human Gene Mutation Database (HGMD: prior to June 1st, 2018), and was therefore a candidate for classification through an automated scoring system. Utilizing variant allele frequency, disease prevalence and penetrance estimates, and inheritance mode, an automated score was calculated to assess if this variant is too frequent to cause the disease. Based on the score and internal cut-off values, a variant classified as benign is not then subjected to further curation. The score for this variant resulted in a classification of benign for this disease.

NM_001127898.4(CLCN5):c.1816G>A (p.Val606Met)

Genes: CLCN5 (Cl-/H+ antiporter 5; plus strand), LOC126863258 (BRD4-independent group 4 enhancer GRCh37_chrX:49854497-49855696; plus strand). Cytogenetic location: Xp11.23.
Variant type: single nucleotide variant.
Coding change: c.1816G>A on transcript NM_001127898.4 (MANE Select); coding-DNA position 1816, G replaced by A.
Protein change: p.Val606Met; replaces valine 606 with methionine.
Molecular consequence: missense variant.
Genome position (GRCh38, 1-based): chrX:50,090,187, G>A. VCF-style: chrX-50090187-G-A. GRCh37 (hg19) VCF-style: chrX-49854844-G-A.
Other names: c.1606G>A (NM_000084.2); c.1606G>A, p.Val536Met (NM_000084.5); c.1816G>A, p.Val606Met (NM_001127899.4); c.1666G>A, p.Val556Met (NM_001282163.2); short protein forms V606M, V536M, V556M.
Identifiers: ClinVar variation 368485 (VCV000368485.9), dbSNP rs782060809, ClinGen allele CA10413928.